The following is an entry in ClinVar:

ClinVar aggregate classification (germline): not provided (0 of 4 stars; one submission).

Conditions:
Autosomal dominant deafness - onychodystrophy syndrome. Also called: DDOD SYNDROME; Deafness, congenital, with onychodystrophy, autosomal dominant. Identifiers: Orphanet 3231, Orphanet 79499, MedGen C2675730, MONDO:0007420, OMIM 124480.
Zimmermann-Laband syndrome 2 (ZLS2). Identifiers: Orphanet 3473, MedGen C4225321, MONDO:0014646, OMIM 616455.

gnomAD v4.1: 3 of 1,544,162 alleles (0.00019%); highest among the groups gnomAD compares: South Asian, 0.0036%; no homozygotes.

Submission:

Federation de Genetique et Medecine Genomique, Hopital Necker
No classification provided. Condition: Zimmermann-Laband syndrome 2; Autosomal dominant deafness - onychodystrophy syndrome. Review status: no classification provided. Collection method: phenotyping only. Allele origin: germline. Affected: yes.
Comment: This variant was found in clinical genetic testing performed by one or more labs who may also submit to ClinVar. Therefore, any internal case data may overlap with the internal case data of other submitters. The classification and rationale are that of Institute of Biochemistry and Molecular Genetics, Faculty of Medicine, University of Ljubljana, 1000 Ljubljana, Slovenia

Literature cited by the submitters: PubMed 32873933; PubMed 9929981; PubMed 34912366; PubMed 33714068; PubMed 24913193; PubMed 8078665; PubMed 3789014; PubMed 32597767; PubMed 25915598; PubMed 29158550; PubMed 22838235; PubMed 31655144.

NM_001693.4(ATP6V1B2):c.20G>C (p.Arg7Pro)

Genes: ATP6V1B2 (ATPase H+ transporting V1 subunit B2; plus strand), LOC129999955 (ATAC-STARR-seq lymphoblastoid silent region 18971; plus strand). Cytogenetic location: 8p21.3.
Variant type: single nucleotide variant.
Coding change: c.20G>C on transcript NM_001693.4 (MANE Select); coding-DNA position 20, G replaced by C.
Protein change: p.Arg7Pro; replaces arginine 7 with proline.
Molecular consequence: missense variant.
Genome position (GRCh38, 1-based): chr8:20,197,426, G>C. VCF-style: chr8-20197426-G-C. GRCh37 (hg19) VCF-style: chr8-20054937-G-C.
Other names: short protein forms R7P.
Identifiers: ClinVar variation 4852817 (VCV004852817.1).